The following is an entry in ClinVar:

ClinVar aggregate classification (germline): Uncertain significance. Review status: criteria provided, multiple submitters, no conflicts (2 of 4 stars). 2 submissions from 2 submitters: Uncertain significance (2). Last evaluated 2025-03-17.

Conditions:
Tyrosinemia type I (TYRSN1). Also called: Tyrosinemia type 1; Fumarylacetoacetase deficiency; Deficiency of fumarylacetoacetase; HEPATORENAL TYROSINEMIA; FAH DEFICIENCY. Identifiers: Orphanet 882, MedGen C0268490, MONDO:0010161, OMIM 276700. Disease mechanism: loss of function.

Submissions (2):

Labcorp Genetics (formerly Invitae), Labcorp
Classification: Uncertain significance for Tyrosinemia type I. Last evaluated: 2025-03-17. Review status: criteria provided, single submitter. Criteria: Invitae Variant Classification Sherloc (09022015). Collection method: clinical testing. Allele origin: germline.
Comment: This sequence change replaces glycine, which is neutral and non-polar, with glutamic acid, which is acidic and polar, at codon 387 of the FAH protein (p.Gly387Glu). This variant is not present in population databases (gnomAD no frequency). This variant has not been reported in the literature in individuals affected with FAH-related conditions. ClinVar contains an entry for this variant (Variation ID: 3577799). Invitae Evidence Modeling of protein sequence and biophysical properties (such as structural, functional, and spatial information, amino acid conservation, physicochemical variation, residue mobility, and thermodynamic stability) indicates that this missense variant is not expected to disrupt FAH protein function with a negative predictive value of 80%. In summary, the available evidence is currently insufficient to determine the role of this variant in disease. Therefore, it has been classified as a Variant of Uncertain Significance.

Fulgent Genetics
Classification: Uncertain significance for Tyrosinemia type I. Last evaluated: 2023-12-28. Review status: criteria provided, single submitter. Criteria: ACMG Guidelines, 2015. Collection method: clinical testing. Allele origin: germline.

NM_000137.4(FAH):c.1160G>A (p.Gly387Glu)

Gene: FAH (fumarylacetoacetate hydrolase; plus strand). Cytogenetic location: 15q25.1.
Variant type: single nucleotide variant.
Coding change: c.1160G>A on transcript NM_000137.4 (MANE Select); coding-DNA position 1160, G replaced by A.
Protein change: p.Gly387Glu; replaces glycine 387 with glutamic acid.
Molecular consequence: missense variant.
Genome position (GRCh38, 1-based): chr15:80,181,139, G>A. VCF-style: chr15-80181139-G-A. GRCh37 (hg19) VCF-style: chr15-80473481-G-A.
Other names: c.1160G>A, p.Gly387Glu (NM_001374377.1, NM_001374380.1); short protein forms G387E.
Identifiers: ClinVar variation 3577799 (VCV003577799.3).